The following is an entry in ClinVar:

ClinVar aggregate classification (germline): Pathogenic (1 of 4 stars; one submission).

Submission:

GeneDx
Classification: Pathogenic. Last evaluated: 2024-07-16. Review status: criteria provided, single submitter. Criteria: GeneDx Variant Classification Process June 2021. Collection method: clinical testing. Allele origin: germline. Affected: yes.
Comment: Frameshift variant predicted to result in protein truncation or nonsense mediated decay in a gene for which loss of function is a known mechanism of disease; Not observed at significant frequency in large population cohorts (gnomAD); Has not been previously published as pathogenic or benign to our knowledge

NM_001127222.2(CACNA1A):c.5999dup (p.Pro2001fs)

Gene: CACNA1A (calcium voltage-gated channel subunit alpha1 A; minus strand). Cytogenetic location: 19p13.13.
Variant type: Duplication.
Coding change: c.5999dup on transcript NM_001127222.2 (MANE Select); coding-DNA position 5999, one base duplicated (G; older notation c.5999dupG).
Protein change: p.Pro2001fs; shifts the reading frame from proline 2001.
Molecular consequence: frameshift variant.
Genome position (GRCh38, 1-based): chr19:13,212,682, C duplicated on the plus strand (G on the coding strand, the reverse complement: CACNA1A is on the minus strand); the first of 5 consecutive C bases (chr19:13,212,682-13,212,686); duplicating any one gives the same sequence. VCF-style (leftmost placement, unchanged base first): chr19-13212681-T-TC. GRCh37 (hg19) VCF-style: chr19-13323495-T-TC.
Other names: c.6017dup, p.Pro2007fs (NM_000068.4, NM_023035.3); c.6002dup, p.Pro2002fs (NM_001127221.2); c.6008dup, p.Pro2004fs (NM_001174080.2); c.6002dup (NM_001127221.1); short protein forms P2001fs, P2002fs, P2004fs, P2007fs.
Identifiers: ClinVar variation 3573848 (VCV003573848.1).
Genomic context (GRCh38, chr19:13,212,681, plus strand): 5'-TGACACTCACAGGGCTCCTCCTGGGTCCAGCTGGGTGGAGGGGAGGGCGTTCTGGCCAGG[T>TC]CCCCCTTCCTGCGTTGGGGACGGGGGCTCCATGCGCTGGAACATGAGGGGTGTCCGGTCC-3'